The following is an entry in ClinVar:

NM_001289808.2(CRYAB):c.6C>T (p.Asp2=)

Gene: CRYAB (crystallin alpha B; minus strand). Cytogenetic location: 11q23.1.
Variant type: single nucleotide variant.
Coding change: c.6C>T on transcript NM_001289808.2 (MANE Select); coding-DNA position 6, C replaced by T.
Protein change: p.Asp2=; no amino-acid change (aspartic acid 2 retained).
Molecular consequence: synonymous variant.
Genome position (GRCh38, 1-based): chr11:111,911,719, G>A on the plus strand (C>T on the coding strand, the complement: CRYAB is on the minus strand). VCF-style: chr11-111911719-G-A. GRCh37 (hg19) VCF-style: chr11-111782443-G-A.
Other names: c.6C>T, p.Asp2= (NM_001289807.1, NM_001368245.1, NM_001885.3).
Identifiers: ClinVar variation 516018 (VCV000516018.3), dbSNP rs782577028, ClinGen allele CA6275590.

ClinVar aggregate classification (germline): Likely benign. Review status: criteria provided, multiple submitters, no conflicts (2 of 4 stars). 2 submissions from 2 submitters: Likely benign (2). Last evaluated 2022-09-24.

Conditions:
Cardiovascular phenotype. Identifiers: MedGen CN230736.

Allele frequency attached by ClinVar (database versions not stated): ExAC below 0.00001; gnomAD exomes below 0.00001 and 0.00001; TOPMed below 0.00001; gnomAD 0.00001.
gnomAD v4.1: 2 of 1,582,510 alleles (0.00013%); highest among the groups gnomAD compares: African/African-American, 0.0027%; no homozygotes.

Submissions (2):

Ambry Genetics
Classification: Likely benign for Cardiovascular phenotype. Last evaluated: 2022-09-24. Review status: criteria provided, single submitter. Criteria: Ambry Variant Classification Scheme 2023. Collection method: clinical testing. Allele origin: germline.

GeneDx
Classification: Likely benign. Last evaluated: 2018-03-09. Review status: criteria provided, single submitter. Criteria: GeneDx Variant Classification (06012015). Collection method: clinical testing. Allele origin: germline. Affected: yes.
Comment: This variant is considered likely benign or benign based on one or more of the following criteria: it is a conservative change, it occurs at a poorly conserved position in the protein, it is predicted to be benign by multiple in silico algorithms, and/or has population frequency not consistent with disease.